The following is an entry in ClinVar:

ClinVar aggregate classification (germline): Uncertain significance (1 of 4 stars; one submission).

Conditions:
Frontotemporal dementia and/or amyotrophic lateral sclerosis 4. Also called: FTDALS4. Identifiers: Orphanet 275872, MedGen C4225325, MONDO:0014641, OMIM 616439.

Allele frequency attached by ClinVar (database versions not stated): gnomAD exomes below 0.00001.

Submission:

Labcorp Genetics (formerly Invitae), Labcorp
Classification: Uncertain significance for Frontotemporal dementia and/or amyotrophic lateral sclerosis 4. Last evaluated: 2023-08-05. Review status: criteria provided, single submitter. Criteria: Invitae Variant Classification Sherloc (09022015). Collection method: clinical testing. Allele origin: germline.
Comment: This sequence change replaces leucine, which is neutral and non-polar, with phenylalanine, which is neutral and non-polar, at codon 399 of the TBK1 protein (p.Leu399Phe). This variant is not present in population databases (gnomAD no frequency). This variant has not been reported in the literature in individuals affected with TBK1-related conditions. Advanced modeling of protein sequence and biophysical properties (such as structural, functional, and spatial information, amino acid conservation, physicochemical variation, residue mobility, and thermodynamic stability) performed at Invitae indicates that this missense variant is not expected to disrupt TBK1 protein function. In summary, the available evidence is currently insufficient to determine the role of this variant in disease. Therefore, it has been classified as a Variant of Uncertain Significance.

NM_013254.4(TBK1):c.1195C>T (p.Leu399Phe)

Gene: TBK1 (TANK binding kinase 1; plus strand). Cytogenetic location: 12q14.2.
Variant type: single nucleotide variant.
Coding change: c.1195C>T on transcript NM_013254.4 (MANE Select); coding-DNA position 1195, C replaced by T.
Protein change: p.Leu399Phe; replaces leucine 399 with phenylalanine.
Molecular consequence: missense variant.
Genome position (GRCh38, 1-based): chr12:64,485,460, C>T. VCF-style: chr12-64485460-C-T. GRCh37 (hg19) VCF-style: chr12-64879240-C-T.
Other names: short protein forms L399F.
Identifiers: ClinVar variation 2750594 (VCV002750594.3), dbSNP rs2040810770, ClinGen allele CA385600623.